The following is an entry in ClinVar:

ClinVar aggregate classification (germline): Uncertain significance (1 of 4 stars; one submission).

Conditions:
Hereditary cancer-predisposing syndrome. Also called: Neoplastic Syndromes, Hereditary; Tumor predisposition; Hereditary Cancer Syndrome; Hereditary neoplastic syndrome. Identifiers: Orphanet 140162, MedGen C0027672, MeSH D009386, MONDO:0015356.

Submission:

Ambry Genetics
Classification: Uncertain significance for Hereditary cancer-predisposing syndrome. Last evaluated: 2024-12-05. Review status: criteria provided, single submitter. Criteria: Ambry Variant Classification Scheme 2023. Collection method: clinical testing. Allele origin: germline.
Comment: The c.87_88delGCinsAG variant (also known as p.L30V), located in coding exon 1 of the PRKAR1A gene, results from an in-frame deletion of GC and insertion of AG at nucleotide positions 87 to 88. This results in the substitution of the leucine residue for a valine residue at codon 30, an amino acid with highly similar properties. This amino acid position is well conserved in available vertebrate species. In addition, this alteration is predicted to be neutral by in silico analysis (Choi Y et al. PLoS ONE. 2012; 7(10):e46688). Based on the available evidence, the clinical significance of this variant remains unclear.

NM_002734.5(PRKAR1A):c.87_88delinsAG (p.Leu30Val)

Gene: PRKAR1A (protein kinase cAMP-dependent type I regulatory subunit alpha; plus strand). Cytogenetic location: 17q24.2.
Variant type: Indel.
Coding change: c.87_88delinsAG on transcript NM_002734.5 (MANE Select); coding-DNA positions 87 to 88, GC replaced by AG.
Protein change: p.Leu30Val; replaces leucine 30 with valine.
Molecular consequence: missense variant.
Genome position (GRCh38, 1-based): chr17:68,515,486-68,515,487, GC replaced by AG. VCF-style: chr17-68515486-GC-AG. GRCh37 (hg19) VCF-style: chr17-66511627-GC-AG.
Other names: c.87_88delinsAG, p.Leu30Val (NM_001276289.2, NM_001276290.1, NM_001278433.2 and 4 more transcripts); short protein forms L30V.
Identifiers: ClinVar variation 3425081 (VCV003425081.1).
Genomic context (GRCh38, chr17:68,515,486, plus strand): 5'-TGAGGAGGCACGCAGCCTTCGAGAATGTGAGCTCTACGTCCAGAAGCATAACATTCAAGC[GC>AG]TGCTCAAAGATTCTATTGTGCAGTTGTGCACTGCTCGACCTGAGAGACCCATGGCATTCC-3'
Protein context (NP_002725.1, residues 20-40): LYVQKHNIQA[Leu30Val]LKDSIVQLCT